The following is an entry in ClinVar:

NM_017636.4(TRPM4):c.-4C>A

Gene: TRPM4 (transient receptor potential cation channel subfamily M member 4; plus strand). Cytogenetic location: 19q13.33.
Variant type: single nucleotide variant.
Coding change: c.-4C>A on transcript NM_017636.4 (MANE Select); 4 bases upstream of the start codon, C replaced by A.
Molecular consequence: 5 prime UTR variant.
Genome position (GRCh38, 1-based): chr19:49,157,863, C>A. VCF-style: chr19-49157863-C-A. GRCh37 (hg19) VCF-style: chr19-49661120-C-A.
Other names: c.-4C>A (NM_001195227.2, NM_001321281.2); c.-1376C>A (NM_001321282.2); c.-170C>A (NM_001321283.2); c.-333C>A (NM_001321285.2).
Identifiers: ClinVar variation 3602250 (VCV003602250.1).

ClinVar aggregate classification (germline): Uncertain significance (1 of 4 stars; one submission).

Submission:

GeneDx
Classification: Uncertain significance. Last evaluated: 2024-07-31. Review status: criteria provided, single submitter. Criteria: GeneDx Variant Classification Process June 2021. Collection method: clinical testing. Allele origin: germline. Affected: yes.
Comment: Not observed at significant frequency in large population cohorts (gnomAD); Alters the Kozak sequence, which plays a major role in the initiation of translation; Nucleotide is not conserved across species and the substitution has no predicted effect on splicing; Has not been previously published as pathogenic or benign to our knowledge